The following is an entry in ClinVar:

ClinVar aggregate classification (germline): Pathogenic (1 of 4 stars; one submission).

Conditions:
VPS13A-related neurodegenerative disease. Also called: ACANTHOCYTOSIS WITH NEUROLOGIC DISORDER; LEVINE-CRITCHLEY SYNDROME; Choreoacanthocytosis; Chorea-acanthocytosis; Choreaacanthocytosis; VPS13A Disease. Identifiers: Orphanet 2388, MedGen C0393576, MONDO:0008695, OMIM 200150.

Submission:

Myriad Genetics, Inc.
Classification: Pathogenic for VPS13A-related neurodegenerative disease. Last evaluated: 2024-05-14. Review status: criteria provided, single submitter. Criteria: Myriad Autosomal Dominant, Autosomal Recessive and X-Linked Classification Criteria (2023). Collection method: clinical testing. Allele origin: unknown.
Comment: NM_033305.2(VPS13A):c.58delG(V20Wfs*29) is expected to be pathogenic in the context of VPS13A disease. This variant is predicted to lead to an abnormal or absent protein product due to the creation of a premature termination codon in VPS13A, a gene where loss-of-function variants are known to be pathogenic. Please note: this variant was assessed in the context of healthy population screening.

NM_033305.3(VPS13A):c.58del (p.Val20fs)

Genes: VPS13A (vacuolar protein sorting 13 homolog A; plus strand), VPS13A-AS1 (VPS13A antisense RNA 1; minus strand). Cytogenetic location: 9q21.2.
Variant type: Deletion.
Coding change: c.58del on transcript NM_033305.3 (MANE Select); coding-DNA position 58, one base deleted (G; older notation c.58delG).
Protein change: p.Val20fs; shifts the reading frame from valine 20.
Molecular consequence: frameshift variant. On other transcripts: non-coding transcript variant (1).
Genome position (GRCh38, 1-based): chr9:77,177,762, G deleted; the last of 2 consecutive G bases (chr9:77,177,761-77,177,762); deleting either gives the same sequence. VCF-style (leftmost placement, unchanged base first): chr9-77177760-TG-T. GRCh37 (hg19) VCF-style: chr9-79792676-TG-T.
Other names: c.58del, p.Val20fs (NM_001018037.2, NM_001018038.3, NM_015186.4); short protein forms V20fs.
Identifiers: ClinVar variation 5014476 (VCV005014476.1).